The following is an entry in ClinVar:

ClinVar aggregate classification (germline): Likely pathogenic (1 of 4 stars; one submission).

Conditions:
Fanconi anemia complementation group J. Also called: BRIP1-Related Fanconi Anemia. Identifiers: Orphanet 84, MedGen C1836860, MONDO:0012187, OMIM 609054.
Familial cancer of breast. Also called: BREAST CANCER, FAMILIAL; hereditary breast carcinoma; Hereditary breast cancer. Identifiers: Orphanet 227535, MedGen C0346153, MONDO:0016419, OMIM 114480. Disease mechanism: loss of function.

Submission:

Labcorp Genetics (formerly Invitae), Labcorp
Classification: Likely pathogenic for Familial cancer of breast; Fanconi anemia complementation group J. Last evaluated: 2017-12-06. Review status: criteria provided, single submitter. Criteria: Invitae Variant Classification Sherloc (09022015). Collection method: clinical testing. Allele origin: germline.
Comment: This variant is a gross duplication of the genomic region encompassing exons 3-11 of the BRIP1 gene. While the exact position of the duplicated exons cannot be determined from this data, sub-genic duplications are generally in tandem (PMID: 25640679) and may result in an absent or disrupted protein product. This variant has not been reported in the literature in individuals with BRIP1-related disease. Loss-of-function variants in BRIP1 are known to be pathogenic (PMID: 16116423, 17033622, 21964575). In summary, the currently available evidence indicates that the variant is pathogenic, but additional data are needed to prove that conclusively. Therefore, this variant has been classified as Likely Pathogenic.

NC_000017.10:g.(?_59861625)_(59937274_?)dup

Genes: BRIP1 (BRCA1 interacting DNA helicase 1; minus strand), LOC110120932 (VISTA enhancer hs778; plus strand). Cytogenetic location: 17q23.2.
Variant type: Duplication.
Identifiers: ClinVar variation 530382 (VCV000530382.2).